The following is an entry in ClinVar:

NM_003361.4(UMOD):c.1391del (p.Gln464fs)

Gene: UMOD (uromodulin; minus strand). Cytogenetic location: 16p12.3.
Variant type: Deletion.
Coding change: c.1391del on transcript NM_003361.4 (MANE Select); coding-DNA position 1391, one base deleted (A; older notation c.1391delA).
Protein change: p.Gln464fs; shifts the reading frame from glutamine 464.
Molecular consequence: frameshift variant. On other transcripts: non-coding transcript variant (1).
Genome position (GRCh38, 1-based): chr16:20,341,277, T deleted on the plus strand (A on the coding strand, the reverse complement: UMOD is on the minus strand). VCF-style (leftmost placement, unchanged base first): chr16-20341276-CT-C. GRCh37 (hg19) VCF-style: chr16-20352598-CT-C.
Other names: c.1391del, p.Gln464fs (NM_001008389.3, NM_001378232.1, NM_001378233.1); c.1490del, p.Gln497fs (NM_001278614.2); c.1532del, p.Gln511fs (NM_001378234.1, NM_001378235.1); short protein forms Q464fs, Q497fs, Q511fs.
Identifiers: ClinVar variation 3382649 (VCV003382649.2).
Genomic context (GRCh38, chr16:20,341,276, plus strand): 5'-AAAAGCCTCAGTGGACAGTGTCACGGAGGAGCCTTGGTAGGGCTGCGTGTAGGAAGGGGT[CT>C]GGAAGAGCGCCATCCGCACGGTGAACATGCCGGTCCCGCCCACTCTGATGTTTAGAGCAC-3'

ClinVar aggregate classification (germline): Uncertain significance (1 of 4 stars; one submission).

Conditions:
Familial juvenile hyperuricemic nephropathy type 1 (ADTKD1). Also called: UMOD-Associated Kidney Disease; Uromodulin-associated kidney disease; Autosomal Dominant Tubulointerstitial Kidney Disease – UMOD; Glomerulocystic kidney disease with hyperuricemia and isosthenuria; Medullary cystic kidney disease 2. Identifiers: Orphanet 209886, Orphanet 34149, Orphanet 88950, MedGen C4551496, MONDO:0008073, OMIM 162000.

Submission:

Juno Genomics, Hangzhou Juno Genomics, Inc
Classification: Uncertain significance for Familial juvenile hyperuricemic nephropathy type 1. Review status: criteria provided, single submitter. Criteria: ACMG Guidelines, 2015. Collection method: clinical testing. Allele origin: germline. Affected: yes.
Comment: Absent from controls (or at extremely low frequency if recessive) in Genome Aggregation Database, Exome Sequencing Project, 1000 Genomes Project, or Exome Aggregation Consortium.;Null variant in a gene where loss of function (LOF) is a known mechanism of disease.